The following is an entry in ClinVar:

ClinVar aggregate classification (germline): Uncertain significance (1 of 4 stars; one submission).

Allele frequency attached by ClinVar (database versions not stated): ESP Exome Variant Server 0.00008.

Submission:

Labcorp Genetics (formerly Invitae), Labcorp
Classification: Uncertain significance. Last evaluated: 2022-08-09. Review status: criteria provided, single submitter. Criteria: Invitae Variant Classification Sherloc (09022015). Collection method: clinical testing. Allele origin: germline.
Comment: This sequence change replaces arginine, which is basic and polar, with cysteine, which is neutral and slightly polar, at codon 1142 of the INPPL1 protein (p.Arg1142Cys). This variant is present in population databases (rs374001069, gnomAD 0.02%), including at least one homozygous and/or hemizygous individual. This variant has not been reported in the literature in individuals affected with INPPL1-related conditions. ClinVar contains an entry for this variant (Variation ID: 1368288). Algorithms developed to predict the effect of missense changes on protein structure and function are either unavailable or do not agree on the potential impact of this missense change (SIFT: "Deleterious"; PolyPhen-2: "Possibly Damaging"; Align-GVGD: "Class C0"). In summary, the available evidence is currently insufficient to determine the role of this variant in disease. Therefore, it has been classified as a Variant of Uncertain Significance.

NM_001567.4(INPPL1):c.3424C>T (p.Arg1142Cys)

Gene: INPPL1 (inositol polyphosphate phosphatase like 1; plus strand). Cytogenetic location: 11q13.4.
Variant type: single nucleotide variant.
Coding change: c.3424C>T on transcript NM_001567.4 (MANE Select); coding-DNA position 3424, C replaced by T.
Protein change: p.Arg1142Cys; replaces arginine 1142 with cysteine.
Molecular consequence: missense variant.
Genome position (GRCh38, 1-based): chr11:72,237,668, C>T. VCF-style: chr11-72237668-C-T. GRCh37 (hg19) VCF-style: chr11-71948712-C-T.
Other names: short protein forms R1142C.
Identifiers: ClinVar variation 1368288 (VCV001368288.5), dbSNP rs374001069, ClinGen allele CA6170629.